The following is an entry in ClinVar:

ClinVar aggregate classification (germline): Uncertain significance. Review status: criteria provided, multiple submitters, no conflicts (2 of 4 stars). 2 submissions from 2 submitters: Uncertain significance (2). Last evaluated 2023-03-14.

Conditions:
Tuberous sclerosis syndrome (TSC). Also called: Tuberous Sclerosis Complex; Tuberous sclerosis. Identifiers: Orphanet 805, MedGen C0041341, MONDO:0001734.
Tuberous sclerosis 2 (TSC2). Identifiers: Orphanet 805, MedGen C1860707, MONDO:0013199, OMIM 613254.

Submissions (2):

Labcorp Genetics (formerly Invitae), Labcorp
Classification: Uncertain significance for Tuberous sclerosis 2. Last evaluated: 2023-03-14. Review status: criteria provided, single submitter. Criteria: Invitae Variant Classification Sherloc (09022015). Collection method: clinical testing. Allele origin: germline.
Comment: Advanced modeling of protein sequence and biophysical properties (such as structural, functional, and spatial information, amino acid conservation, physicochemical variation, residue mobility, and thermodynamic stability) performed at Invitae indicates that this missense variant is not expected to disrupt TSC2 protein function. ClinVar contains an entry for this variant (Variation ID: 886606). This variant has not been reported in the literature in individuals affected with TSC2-related conditions. This variant is not present in population databases (gnomAD no frequency). This sequence change replaces asparagine, which is neutral and polar, with aspartic acid, which is acidic and polar, at codon 27 of the TSC2 protein (p.Asn27Asp). In summary, the available evidence is currently insufficient to determine the role of this variant in disease. Therefore, it has been classified as a Variant of Uncertain Significance.

Illumina Laboratory Services, Illumina
Classification: Uncertain significance for Tuberous sclerosis syndrome. Last evaluated: 2017-04-27. Review status: criteria provided, single submitter. Criteria: ICSL Variant Classification Criteria 13 December 2019. Collection method: clinical testing. Allele origin: germline.

NM_000548.5(TSC2):c.79A>G (p.Asn27Asp)

Gene: TSC2 (TSC complex subunit 2; plus strand). Cytogenetic location: 16p13.3.
Variant type: single nucleotide variant.
Coding change: c.79A>G on transcript NM_000548.5 (MANE Select); coding-DNA position 79, A replaced by G.
Protein change: p.Asn27Asp; replaces asparagine 27 with aspartic acid.
Molecular consequence: missense variant. On other transcripts: 5 prime UTR variant (1), intron variant (1).
Genome position (GRCh38, 1-based): chr16:2,048,694, A>G. VCF-style: chr16-2048694-A-G. GRCh37 (hg19) VCF-style: chr16-2098695-A-G.
Other names: c.79A>G, p.Asn27Asp (NM_001077183.3, NM_001114382.3, NM_001318827.2 and 4 more transcripts); c.-148A>G (NM_001318831.2); c.112A>G, p.Asn38Asp (NM_001318832.2); c.-10+629A>G (NM_001318829.2); short protein forms N38D, N27D.
Identifiers: ClinVar variation 886606 (VCV000886606.11), dbSNP rs2084677815, ClinGen allele CA394301280.